The following is an entry in ClinVar:

ClinVar aggregate classification (germline): Uncertain significance (1 of 4 stars; one submission).

Conditions:
Familial adenomatous polyposis 1 (FAP1). Also called: FAMILIAL ADENOMATOUS POLYPOSIS 1, ATTENUATED; POLYPOSIS, ADENOMATOUS INTESTINAL. Identifiers: MedGen C2713442, MONDO:0021056, OMIM 175100. Disease mechanism: loss of function.

Allele frequency attached by ClinVar (database versions not stated): TOPMed below 0.00001.

Submission:

Labcorp Genetics (formerly Invitae), Labcorp
Classification: Uncertain significance for Familial adenomatous polyposis 1. Last evaluated: 2024-09-04. Review status: criteria provided, single submitter. Criteria: Invitae Variant Classification Sherloc (09022015). Collection method: clinical testing. Allele origin: germline.
Comment: This variant occurs in a non-coding region of the APC gene. It does not change the encoded amino acid sequence of the APC protein. This variant is not present in population databases (gnomAD no frequency). This variant has not been reported in the literature in individuals affected with APC-related conditions. Experimental studies and prediction algorithms are not available or were not evaluated, and the functional significance of this variant is currently unknown. In summary, the available evidence is currently insufficient to determine the role of this variant in disease. Therefore, it has been classified as a Variant of Uncertain Significance.

NC_000005.10:g.112707313_112707316dup

Gene: APC (APC regulator of Wnt signaling pathway; plus strand). Cytogenetic location: 5q22.2.
Variant type: Duplication.
Genome position: GRCh38 VCF-style: chr5-112707312-C-CTGCA. GRCh37 (hg19) VCF-style: chr5-112043009-C-CTGCA.
Identifiers: ClinVar variation 1059614 (VCV001059614.10), dbSNP rs1329132451, ClinGen allele CA802056765.